The following is an entry in ClinVar:

ClinVar aggregate classification (germline): Uncertain significance. Review status: criteria provided, multiple submitters, no conflicts (2 of 4 stars). 2 submissions from 2 submitters: Uncertain significance (2). Last evaluated 2024-06-04.

Allele frequency attached by ClinVar (database versions not stated): gnomAD exomes 0.00003; ExAC 0.00005; gnomAD 0.00006; TOPMed 0.00006; ESP Exome Variant Server 0.00008.
gnomAD v4.1: 52 of 1,613,314 alleles (0.0032%); highest among the groups gnomAD compares: Middle Eastern, 0.017%; no homozygotes.

Submissions (2):

Blueprint Genetics
Classification: Uncertain significance. Last evaluated: 2024-06-04. Review status: criteria provided, single submitter. Criteria: ACMG Guidelines, 2015. Collection method: clinical testing. Allele origin: germline.

Labcorp Genetics (formerly Invitae), Labcorp
Classification: Uncertain significance. Last evaluated: 2021-10-14. Review status: criteria provided, single submitter. Criteria: Invitae Variant Classification Sherloc (09022015). Collection method: clinical testing. Allele origin: germline.
Comment: This sequence change replaces glycine with arginine at codon 721 of the COL27A1 protein (p.Gly721Arg). The glycine residue is highly conserved and there is a moderate physicochemical difference between glycine and arginine. This variant is present in population databases (rs140917660, ExAC 0.05%). This variant has not been reported in the literature in individuals affected with COL27A1-related conditions. Algorithms developed to predict the effect of missense changes on protein structure and function are either unavailable or do not agree on the potential impact of this missense change (SIFT: "Deleterious"; PolyPhen-2: "Not Available"; Align-GVGD: "Class C15"). In summary, the available evidence is currently insufficient to determine the role of this variant in disease. Therefore, it has been classified as a Variant of Uncertain Significance.

NM_032888.4(COL27A1):c.2161G>A (p.Gly721Arg)

Gene: COL27A1 (collagen type XXVII alpha 1 chain; plus strand). Cytogenetic location: 9q32.
Variant type: single nucleotide variant.
Coding change: c.2161G>A on transcript NM_032888.4 (MANE Select); coding-DNA position 2161, G replaced by A.
Protein change: p.Gly721Arg; replaces glycine 721 with arginine.
Molecular consequence: missense variant.
Genome position (GRCh38, 1-based): chr9:114,205,138, G>A. VCF-style: chr9-114205138-G-A. GRCh37 (hg19) VCF-style: chr9-116967418-G-A.
Other names: short protein forms G721R.
Identifiers: ClinVar variation 2200303 (VCV002200303.2), dbSNP rs140917660, ClinGen allele CA5201646.